The following is an entry in ClinVar:

ClinVar aggregate classification (germline): Uncertain significance. Review status: criteria provided, multiple submitters, no conflicts (2 of 4 stars). 3 submissions from 3 submitters: Uncertain significance (3). Last evaluated 2022-04-07.

Conditions:
Cardiovascular phenotype. Identifiers: MedGen CN230736.
Long QT syndrome (LQTS). Identifiers: MedGen C0023976, MeSH D008133, MONDO:0002442. Disease mechanism: loss of function. Inheritance: Various modes of inheritance.
Long QT syndrome 11 (LQT11). Identifiers: Orphanet 101016, Orphanet 768, MedGen C2678483, MONDO:0012738, OMIM 611820.

Submissions (3):

Labcorp Genetics (formerly Invitae), Labcorp
Classification: Uncertain significance for Long QT syndrome. Last evaluated: 2022-04-07. Review status: criteria provided, single submitter. Criteria: Invitae Variant Classification Sherloc (09022015). Collection method: clinical testing. Allele origin: germline.
Comment: In summary, the available evidence is currently insufficient to determine the role of this variant in disease. Therefore, it has been classified as a Variant of Uncertain Significance. ClinVar contains an entry for this variant (Variation ID: 518593). This variant has not been reported in the literature in individuals affected with AKAP9-related conditions. This variant is present in population databases (rs768274954, gnomAD 0.009%). This sequence change creates a premature translational stop signal (p.Arg219Lysfs*3) in the AKAP9 gene. It is expected to result in an absent or disrupted protein product. However, the current clinical and genetic evidence is not sufficient to establish whether loss-of-function variants in AKAP9 cause disease.

Clinical Genomics Laboratory, Stanford Medicine
Classification: Uncertain significance for Long QT syndrome 11. Last evaluated: 2022-01-25. Review status: criteria provided, single submitter. Criteria: ACMG Guidelines, 2015. Collection method: clinical testing. Allele origin: germline. Observed: 1 variant allele, 1 heterozygote.
Comment: The p.Arg219Lysfs*3 variant in the AKAP9 gene has not been previously reported in association with disease. This variant has been identified in 3/34,508 Latino/Admixed American chromosomes by the Genome Aggregation Database. This variant results in a 5 bp deletion, which causes a shift in the protein reading frame, leading to a premature termination codon 3 amino acids downstream. Heterozygous loss of function is not an established mechanism of disease for the AKAP9 gene. These data were assessed using the ACMG/AMP variant interpretation guidelines. In summary, the significance of the p.Arg219Lysfs*3 variant is uncertain. Additional information is needed to resolve the significance of this variant. [ACMG evidence codes used: PM2]

Ambry Genetics
Classification: Uncertain significance for Cardiovascular phenotype. Last evaluated: 2016-08-17. Review status: criteria provided, single submitter. Criteria: Ambry Variant Classification Scheme 2023. Collection method: clinical testing. Allele origin: germline.
Comment: The c.656_660delGAGAA variant, located in coding exon 6 of the AKAP9 gene, results from a deletion of 5 nucleotides at nucleotide positions 656 to 660, causing a translational frameshift with a predicted alternate stop codon (p.R219Kfs*3). Based on data from ExAC, the delGAGAA allele has an overall frequency of approximately 0.0008% (1/20574). This alteration is expected to result in loss of function by premature protein truncation or nonsense-mediated mRNA decay. However, loss of function of AKAP9 has not been clearly established as a mechanism of disease. Since supporting evidence is limited at this time, the clinical significance of this alteration remains unclear.

NM_005751.5(AKAP9):c.656_660del (p.Arg219fs)

Gene: AKAP9 (A-kinase anchoring protein 9; plus strand). Cytogenetic location: 7q21.2.
Variant type: Deletion.
Coding change: c.656_660del on transcript NM_005751.5 (MANE Select); coding-DNA positions 656 to 660, 5 bases deleted (GAGAA; older notation c.656_660delGAGAA).
Protein change: p.Arg219fs; shifts the reading frame from arginine 219.
Molecular consequence: frameshift variant.
Genome position (GRCh38, 1-based): chr7:91,994,700-91,994,704, GAGAA deleted; deleting any 5 consecutive bases within chr7:91,994,696-91,994,704 gives the same sequence; the c. name uses the placement nearest the transcript's 3' end. VCF-style (leftmost placement, unchanged base first): chr7-91994695-AAGAAG-A. GRCh37 (hg19) VCF-style: chr7-91624009-AAGAAG-A.
Other names: c.656_660delGAGAA (NM_005751.5, NM_005751.4); c.656_660del, p.Arg219fs (NM_147185.3); short protein forms R219fs.
Identifiers: ClinVar variation 518593 (VCV000518593.11), dbSNP rs768274954, ClinGen allele CA4335876.